The following is an entry in ClinVar:

NM_020066.5(FMN2):c.4800C>A (p.Val1600=)

Gene: FMN2 (formin 2; plus strand). Cytogenetic location: 1q43.
Variant type: single nucleotide variant.
Coding change: c.4800C>A on transcript NM_020066.5 (MANE Select); coding-DNA position 4800, C replaced by A.
Protein change: p.Val1600=; no amino-acid change (valine 1600 retained).
Molecular consequence: synonymous variant. On other transcripts: intron variant (1).
Genome position (GRCh38, 1-based): chr1:240,355,850, C>A. VCF-style: chr1-240355850-C-A. GRCh37 (hg19) VCF-style: chr1-240519150-C-A.
Other names: c.4812C>A, p.Val1604= (NM_001305424.2); c.2686+21621C>A (NM_001348094.2).
Identifiers: ClinVar variation 2640205 (VCV002640205.24), dbSNP rs754946171, ClinGen allele CA1477640.

ClinVar aggregate classification (germline): Likely benign (1 of 4 stars; one submission).

gnomAD v4.1: 31 of 1,607,290 alleles (0.0019%); highest among the groups gnomAD compares: Middle Eastern, 0.017%; no homozygotes.

Submission:

CeGaT Center for Human Genetics Tuebingen
Classification: Likely benign. Last evaluated: 2024-05-01. Review status: criteria provided, single submitter. Criteria: CeGaT Center For Human Genetics Tuebingen Variant Classification Criteria Version 2. Collection method: clinical testing. Allele origin: germline. Affected: yes. Observed: 2 variant alleles.
Comment: FMN2: BP4, BP7